The following is an entry in ClinVar:

NM_003681.5(PDXK):c.622+23G>A

Gene: PDXK (pyridoxal kinase; plus strand). Cytogenetic location: 21q22.3.
Variant type: single nucleotide variant.
Coding change: c.622+23G>A on transcript NM_003681.5 (MANE Select); 23 bases into the intron after coding-DNA position 622, G replaced by A.
Molecular consequence: intron variant.
Genome position (GRCh38, 1-based): chr21:43,752,652, G>A. VCF-style: chr21-43752652-G-A. GRCh37 (hg19) VCF-style: chr21-45172533-G-A.
Other names: c.502+23G>A (NM_001331030.2).
Identifiers: ClinVar variation 4871932 (VCV004871932.2).
Genomic context (GRCh38, chr21:43,752,652, plus strand): 5'-CAGCAACTACCTGATTGTGCTGGGGAGTCAGAGGAGGAGTAAGTGCCCCCATCGTGCACC[G>A]TGGCCGCCTCTGCTCTTCCCAGAGGAAGGTGTTCTTTGGGGCTGCAAGAATGTTTTGGGT-3'

ClinVar aggregate classification (germline): Likely benign (1 of 4 stars; one submission).

gnomAD v4.1: 1,813 of 1,403,982 alleles (0.13%); highest among the groups gnomAD compares: Non-Finnish European, 0.17%; 1 homozygote.

Submission:

CeGaT Center for Human Genetics Tuebingen
Classification: Likely benign. Last evaluated: 2026-06-01. Review status: criteria provided, single submitter. Criteria: CeGaT Center For Human Genetics Tuebingen Variant Classification Criteria Version 2. Collection method: clinical testing. Allele origin: germline. Affected: yes. Observed: 1 variant allele.
Comment: PDXK: BP4, BP7